The following is an entry in ClinVar:

ClinVar aggregate classification (germline): Uncertain significance (1 of 4 stars; one submission).

Submission:

Labcorp Genetics (formerly Invitae), Labcorp
Classification: Uncertain significance. Last evaluated: 2024-02-20. Review status: criteria provided, single submitter. Criteria: Invitae Variant Classification Sherloc (09022015). Collection method: clinical testing. Allele origin: germline.
Comment: This variant, c.2002_2004del, results in the deletion of 1 amino acid(s) of the PLOD3 protein (p.His668del), but otherwise preserves the integrity of the reading frame. This variant is not present in population databases (gnomAD no frequency). This variant has not been reported in the literature in individuals affected with PLOD3-related conditions. Experimental studies and prediction algorithms are not available or were not evaluated, and the functional significance of this variant is currently unknown. In summary, the available evidence is currently insufficient to determine the role of this variant in disease. Therefore, it has been classified as a Variant of Uncertain Significance.

NM_001084.5(PLOD3):c.1999CAC[1] (p.His668del)

Gene: PLOD3 (procollagen-lysine,2-oxoglutarate 5-dioxygenase 3; minus strand). Cytogenetic location: 7q22.1.
Variant type: Microsatellite.
Coding change: c.1999CAC[1] on transcript NM_001084.5 (MANE Select); one copy of the 3-base unit CAC starting at c.1999; the reference has two copies in a row; one copy, 3 bases deleted.
Protein change: p.His668del; deletes histidine 668.
Molecular consequence: inframe deletion.
Genome position (GRCh38, 1-based): chr7:101,206,836-101,206,838, GTG deleted on the plus strand (CAC on the coding strand, the reverse complement: PLOD3 is on the minus strand); deleting any 3 consecutive bases within chr7:101,206,836-101,206,841 gives the same sequence; the position shown is the placement nearest the transcript's 3' end. VCF-style (leftmost placement, unchanged base first): chr7-101206835-CGTG-C. GRCh37 (hg19) VCF-style: chr7-100850116-CGTG-C.
Other names: short protein forms H668del.
Identifiers: ClinVar variation 2163152 (VCV002163152.3), dbSNP rs1798093062, ClinGen allele CA1105105164.